The following is an entry in ClinVar:

NM_001369.3(DNAH5):c.7552delinsATGTGTATAAGAGACAG (p.Leu2518fs)

Gene: DNAH5 (dynein axonemal heavy chain 5; minus strand). Cytogenetic location: 5p15.2.
Variant type: Indel.
Coding change: c.7552delinsATGTGTATAAGAGACAG on transcript NM_001369.3 (MANE Select); coding-DNA position 7552, C replaced by ATGTGTATAAGAGACAG.
Protein change: p.Leu2518fs; shifts the reading frame from leucine 2518.
Molecular consequence: frameshift variant.
Genome position (GRCh38, 1-based): chr5:13,810,116, G replaced by CTGTCTCTTATACACAT on the plus strand (C replaced by ATGTGTATAAGAGACAG on the coding strand, the reverse complement: DNAH5 is on the minus strand). VCF-style: chr5-13810116-G-CTGTCTCTTATACACAT. GRCh37 (hg19) VCF-style: chr5-13810225-G-CTGTCTCTTATACACAT.
Other names: short protein forms L2518fs.
Identifiers: ClinVar variation 5016358 (VCV005016358.1).

ClinVar aggregate classification (germline): Pathogenic (1 of 4 stars; one submission).

Conditions:
Primary ciliary dyskinesia 3. Identifiers: Orphanet 244, MedGen C1837618, MONDO:0012085, OMIM 608644.

Submission:

Myriad Genetics, Inc.
Classification: Pathogenic for Primary ciliary dyskinesia 3. Last evaluated: 2024-05-14. Review status: criteria provided, single submitter. Criteria: Myriad Autosomal Dominant, Autosomal Recessive and X-Linked Classification Criteria (2023). Collection method: clinical testing. Allele origin: unknown.
Comment: NM_001369.2(DNAH5):c.7552del1ins17(L2518Mfs*42) is expected to be pathogenic in the context of primary ciliary dyskinesia, DNAH5-related. This variant is predicted to lead to an abnormal or absent protein product due to the creation of a premature termination codon in DNAH5, a gene where loss-of-function variants are known to be pathogenic. Please note: this variant was assessed in the context of healthy population screening.